The following is an entry in ClinVar:

ClinVar aggregate classification (germline): Uncertain significance (1 of 4 stars; one submission).

Conditions:
Hypoproteinemia, hypercatabolic (IMD43). Also called: IMMUNODEFICIENCY 43; BETA-2-MICROGLOBULIN DEFICIENCY; B2M DEFICIENCY; MHC CLASS I DEFICIENCY 4. Identifiers: MedGen C1855796, MONDO:0009434, OMIM 241600.

gnomAD v4.1: 1 of 1,613,816 alleles (0.000062%); highest among the groups gnomAD compares: Non-Finnish European, 0.000085%; no homozygotes.

Submission:

Labcorp Genetics (formerly Invitae), Labcorp
Classification: Uncertain significance for Hypoproteinemia, hypercatabolic. Last evaluated: 2024-12-12. Review status: criteria provided, single submitter. Criteria: Invitae Variant Classification Sherloc (09022015). Collection method: clinical testing. Allele origin: germline.
Comment: This sequence change replaces serine, which is neutral and polar, with cysteine, which is neutral and slightly polar, at codon 14 of the B2M protein (p.Ser14Cys). This variant is present in population databases (no rsID available, gnomAD 0.007%). This variant has not been reported in the literature in individuals affected with B2M-related conditions. An algorithm developed to predict the effect of missense changes on protein structure and function outputs the following: PolyPhen-2: "Benign". The cysteine amino acid residue is found in multiple mammalian species, which suggests that this missense change does not adversely affect protein function. In summary, the available evidence is currently insufficient to determine the role of this variant in disease. Therefore, it has been classified as a Variant of Uncertain Significance.

NM_004048.4(B2M):c.41C>G (p.Ser14Cys)

Gene: B2M (beta-2-microglobulin; plus strand). Cytogenetic location: 15q21.1.
Variant type: single nucleotide variant.
Coding change: c.41C>G on transcript NM_004048.4 (MANE Select); coding-DNA position 41, C replaced by G.
Protein change: p.Ser14Cys; replaces serine 14 with cysteine.
Molecular consequence: missense variant.
Genome position (GRCh38, 1-based): chr15:44,711,587, C>G. VCF-style: chr15-44711587-C-G. GRCh37 (hg19) VCF-style: chr15-45003785-C-G.
Other names: short protein forms S14C.
Identifiers: ClinVar variation 3704078 (VCV003704078.2).